The following is an entry in ClinVar:

ClinVar aggregate classification (germline): Uncertain significance. Review status: criteria provided, multiple submitters, no conflicts (2 of 4 stars). 5 submissions from 5 submitters: Uncertain significance (4). 1 of the submissions does not count toward it. Last evaluated 2026-08-05.

Conditions:
Senior-Loken syndrome 6 (SLSN6). Identifiers: Orphanet 3156, MedGen C1857779, MONDO:0012433, OMIM 610189.
Joubert syndrome 5 (JBTS5). Identifiers: Orphanet 2318, MedGen C1857780, MONDO:0012432, OMIM 610188.
Meckel syndrome, type 4 (MKS4). Also called: MECKEL-GRUBER SYNDROME, TYPE 4. Identifiers: Orphanet 564, MedGen C1970161, MONDO:0012626, OMIM 611134.
Leber congenital amaurosis 10 (LCA10). Identifiers: Orphanet 65, MedGen C1857821, MONDO:0012723, OMIM 611755.
Bardet-Biedl syndrome 14 (BBS14). Identifiers: Orphanet 110, MedGen C2673874, MONDO:0014442, OMIM 615991.
CEP290-related disorder. Also called: CEP290-related condition; CEP290-related disorders. Identifiers: MedGen CN239314.
Joubert syndrome. Also called: JOUBERT-BOLTSHAUSER SYNDROME; Familial aplasia of the vermis. Identifiers: Orphanet 475, MedGen C5979921, MONDO:0018772.
Meckel-Gruber syndrome. Also called: Dysencephalia splachnocystica; GRUBER SYNDROME; DYSENCEPHALIA SPLANCHNOCYSTICA. Identifiers: Orphanet 564, MedGen C0265215, MONDO:0018921.
Nephronophthisis. Also called: Juvenile Nephronophthisis. Identifiers: Orphanet 655, MedGen C0687120, MONDO:0019005, HP:0000090.

Submissions (5):

GeneDx
Classification: Uncertain significance. Last evaluated: 2026-08-05. Review status: criteria provided, single submitter. Criteria: GeneDx Variant Classification Process June 2021. Collection method: clinical testing. Allele origin: germline.
Comment: Not observed at significant frequency in large population cohorts (gnomAD); In-frame deletion of 2 amino acid(s) in a non-repeat region; In silico analysis supports a deleterious effect on protein structure/function; Has not been previously published as pathogenic or benign to our knowledge; This variant is associated with the following publications: (PMID: Ginete2020[Thesis])

Labcorp Genetics (formerly Invitae), Labcorp
Classification: Uncertain significance for Joubert syndrome; Meckel-Gruber syndrome; Nephronophthisis. Last evaluated: 2024-01-22. Review status: criteria provided, single submitter. Criteria: Invitae Variant Classification Sherloc (09022015). Collection method: clinical testing. Allele origin: germline.
Comment: This variant, c.3162_3167del, results in the deletion of 2 amino acid(s) of the CEP290 protein (p.Ile1055_Ser1056del), but otherwise preserves the integrity of the reading frame. This variant is present in population databases (rs760503950, gnomAD 0.01%). This variant has not been reported in the literature in individuals affected with CEP290-related conditions. ClinVar contains an entry for this variant (Variation ID: 1301187). Experimental studies and prediction algorithms are not available or were not evaluated, and the functional significance of this variant is currently unknown. In summary, the available evidence is currently insufficient to determine the role of this variant in disease. Therefore, it has been classified as a Variant of Uncertain Significance.

Fulgent Genetics
Classification: Uncertain significance for Joubert syndrome 5; Senior-Loken syndrome 6; Meckel syndrome, type 4; Leber congenital amaurosis 10; Bardet-Biedl syndrome 14. Last evaluated: 2021-12-29. Review status: criteria provided, single submitter. Criteria: ACMG Guidelines, 2015. Collection method: clinical testing. Allele origin: unknown.

Blueprint Genetics
Classification: Uncertain significance. Last evaluated: 2019-02-28. Review status: criteria provided, single submitter. Criteria: ACMG Guidelines, 2015. Collection method: clinical testing. Allele origin: germline.

PreventionGenetics, part of Exact Sciences
Classification: Uncertain significance for CEP290-related condition. Last evaluated: 2024-06-17. Review status: no assertion criteria provided. Collection method: clinical testing. Allele origin: germline. Not counted in ClinVar's aggregate classification.
Comment: The CEP290 c.3162_3167del6 variant is predicted to result in an in-frame deletion (p.Ile1055_Ser1056del). To our knowledge, this variant has not been reported in the literature. This variant is reported in 0.011% of alleles in individuals of Latino descent in gnomAD. At this time, the clinical significance of this variant is uncertain due to the absence of conclusive functional and genetic evidence.

NM_025114.4(CEP290):c.3162_3167del (p.Ile1055_Ser1056del)

Gene: CEP290 (centrosomal protein 290; minus strand). Cytogenetic location: 12q21.32.
Variant type: Deletion.
Coding change: c.3162_3167del on transcript NM_025114.4 (MANE Select); coding-DNA positions 3162 to 3167, 6 bases deleted (CATTTC; older notation c.3162_3167delCATTTC).
Protein change: p.Ile1055_Ser1056del.
Molecular consequence: inframe deletion.
Genome position (GRCh38, 1-based): chr12:88,093,912-88,093,917, GAAATG deleted on the plus strand (CATTTC on the coding strand, the reverse complement: CEP290 is on the minus strand); deleting any 6 consecutive bases within chr12:88,093,912-88,093,921 gives the same sequence; the c. name uses the placement nearest the transcript's 3' end. VCF-style (leftmost placement, unchanged base first): chr12-88093911-TGAAATG-T. GRCh37 (hg19) VCF-style: chr12-88487688-TGAAATG-T.
Other names: c.3162_3167del6 (NM_025114.3).
Identifiers: ClinVar variation 1301187 (VCV001301187.10), dbSNP rs760503950, ClinGen allele CA6712203.